The following is an entry in ClinVar:

ClinVar aggregate classification (germline): Uncertain significance (1 of 4 stars; one submission).

Submission:

GeneDx
Classification: Uncertain significance. Last evaluated: 2025-05-21. Review status: criteria provided, single submitter. Criteria: GeneDx Variant Classification Process June 2021. Collection method: clinical testing. Allele origin: germline. Affected: yes.
Comment: Not observed at significant frequency in large population cohorts (gnomAD); In silico analysis supports that this missense variant has a deleterious effect on protein structure/function; Has not been previously published as pathogenic or benign to our knowledge.

NM_024721.5(ZFHX4):c.218A>T (p.Gln73Leu)

Gene: ZFHX4 (zinc finger homeobox 4; plus strand). Cytogenetic location: 8q21.13.
Variant type: single nucleotide variant.
Coding change: c.218A>T on transcript NM_024721.5 (MANE Select); coding-DNA position 218, A replaced by T.
Protein change: p.Gln73Leu; replaces glutamine 73 with leucine.
Molecular consequence: missense variant.
Genome position (GRCh38, 1-based): chr8:76,704,306, A>T. VCF-style: chr8-76704306-A-T. GRCh37 (hg19) VCF-style: chr8-77616541-A-T.
Other names: c.218A>T, p.Gln73Leu (NM_001410934.1); short protein forms Q73L.
Identifiers: ClinVar variation 4531144 (VCV004531144.1).